The following is an entry in ClinVar:

ClinVar aggregate classification (germline): Uncertain significance (1 of 4 stars; one submission).

Allele frequency attached by ClinVar (database versions not stated): TOPMed 0.00001; ExAC 0.00003; ESP Exome Variant Server 0.00015; gnomAD exomes 0.00001.
gnomAD v4.1: 7 of 1,614,096 alleles (0.00043%); highest among the groups gnomAD compares: Non-Finnish European, 0.00059%; no homozygotes.

Submission:

Labcorp Genetics (formerly Invitae), Labcorp
Classification: Uncertain significance. Last evaluated: 2025-06-29. Review status: criteria provided, single submitter. Criteria: Invitae Variant Classification Sherloc (09022015). Collection method: clinical testing. Allele origin: germline.
Comment: This sequence change replaces leucine, which is neutral and non-polar, with valine, which is neutral and non-polar, at codon 256 of the TNFRSF11B protein (p.Leu256Val). This variant is present in population databases (rs368397401, gnomAD 0.008%). This variant has not been reported in the literature in individuals affected with TNFRSF11B-related conditions. ClinVar contains an entry for this variant (Variation ID: 2988795). Invitae Evidence Modeling of protein sequence and biophysical properties (such as structural, functional, and spatial information, amino acid conservation, physicochemical variation, residue mobility, and thermodynamic stability) has been performed for this missense variant. However, the output from this modeling did not meet the statistical confidence thresholds required to predict the impact of this variant on TNFRSF11B protein function. Algorithms developed to predict the effect of sequence changes on RNA splicing suggest that this variant may create or strengthen a splice site. In summary, the available evidence is currently insufficient to determine the role of this variant in disease. Therefore, it has been classified as a Variant of Uncertain Significance.

NM_002546.4(TNFRSF11B):c.766T>G (p.Leu256Val)

Gene: TNFRSF11B (TNF receptor superfamily member 11b; minus strand). Cytogenetic location: 8q24.12.
Variant type: single nucleotide variant.
Coding change: c.766T>G on transcript NM_002546.4 (MANE Select); coding-DNA position 766, T replaced by G.
Protein change: p.Leu256Val; replaces leucine 256 with valine.
Molecular consequence: missense variant.
Genome position (GRCh38, 1-based): chr8:118,926,545, A>C on the plus strand (T>G on the coding strand, the complement: TNFRSF11B is on the minus strand). VCF-style: chr8-118926545-A-C. GRCh37 (hg19) VCF-style: chr8-119938784-A-C.
Other names: short protein forms L256V.
Identifiers: ClinVar variation 2988795 (VCV002988795.3), dbSNP rs368397401, ClinGen allele CA4854836.
Genomic context (GRCh38, chr8:118,926,545, plus strand): 5'-TTATCATACCTTGGATGATCTTCTTGACTATATCTTGGTCTTTGTTTTGATGTTTCCATA[A>C]CTTCAGCAGCTGGAAAGTCTGTTCTTGTGAGCTGTGTTGCCGTTTTATCCTCTCTACACT-3'
Protein context (NP_002537.3, residues 246-266): SQEQTFQLLK[Leu256Val]WKHQNKDQDI